The following is an entry in ClinVar:

NM_206933.4(USH2A):c.1037A>G (p.Asn346Ser)

Gene: USH2A (usherin; minus strand). Cytogenetic location: 1q41.
Variant type: single nucleotide variant.
Coding change: c.1037A>G on transcript NM_206933.4 (MANE Select); coding-DNA position 1037, A replaced by G.
Protein change: p.Asn346Ser; replaces asparagine 346 with serine.
Molecular consequence: missense variant.
Genome position (GRCh38, 1-based): chr1:216,325,411, T>C on the plus strand (A>G on the coding strand, the complement: USH2A is on the minus strand). VCF-style: chr1-216325411-T-C. GRCh37 (hg19) VCF-style: chr1-216498753-T-C.
Other names: c.1037A>G, p.Asn346Ser (NM_007123.6); short protein forms N346S.
Identifiers: ClinVar variation 2902276 (VCV002902276.5), dbSNP rs773301677, ClinGen allele CA1396618.

ClinVar aggregate classification (germline): Conflicting classifications of pathogenicity. Review status: criteria provided, conflicting classifications (1 of 4 stars). 2 submissions from 2 submitters: Likely pathogenic (1); Uncertain significance (1). Last evaluated 2025-06-02.

Allele frequency attached by ClinVar (database versions not stated): gnomAD exomes 0.00001; ExAC 0.00004.
gnomAD v4.1: 18 of 1,613,948 alleles (0.0011%); highest among the groups gnomAD compares: South Asian, 0.0066%; no homozygotes.

Submissions (2):

Women's Health and Genetics/Laboratory Corporation of America, LabCorp
Classification: Uncertain significance. Last evaluated: 2025-06-02. Review status: criteria provided, single submitter. Criteria: LabCorp Variant Classification Summary - May 2015. Collection method: clinical testing. Allele origin: germline.
Comment: Variant summary: USH2A c.1037A>G (p.Asn346Ser) results in a conservative amino acid change located in the Laminin-type EGF domain (IPR002049) of the encoded protein sequence. Algorithms developed to predict the effect of missense changes on protein structure and function are either unavailable or do not agree on the potential impact of this missense change. The variant allele was found at a frequency of 2.8e-05 in 250976 control chromosomes. The available data on variant occurrences in the general population are insufficient to allow any conclusion about variant significance. To our knowledge, no occurrence of c.1037A>G in individuals affected with Usher Syndrome and no experimental evidence demonstrating its impact on protein function have been reported. A different amino acid change in this codon, c.1036A>C, p.Asn346His, has been observed in individuals with Usher Syndrom and has been classified as pathogenic (PMID: 10729113, 24160897, 25521520, 26969326, 29343940), suggesting that this residue is important for protein function. ClinVar contains an entry for this variant (Variation ID: 2902276). Based on the evidence outlined above, the variant was classified as uncertain significance.

Labcorp Genetics (formerly Invitae), Labcorp
Classification: Likely pathogenic. Last evaluated: 2024-02-18. Review status: criteria provided, single submitter. Criteria: Invitae Variant Classification Sherloc (09022015). Collection method: clinical testing. Allele origin: germline.
Comment: This sequence change replaces asparagine, which is neutral and polar, with serine, which is neutral and polar, at codon 346 of the USH2A protein (p.Asn346Ser). This variant is present in population databases (rs773301677, gnomAD 0.006%). This variant has not been reported in the literature in individuals affected with USH2A-related conditions. Advanced modeling of protein sequence and biophysical properties (such as structural, functional, and spatial information, amino acid conservation, physicochemical variation, residue mobility, and thermodynamic stability) performed at Invitae indicates that this missense variant is expected to disrupt USH2A protein function with a positive predictive value of 95%. This variant disrupts the p.Asn346 amino acid residue in USH2A. Other variant(s) that disrupt this residue have been determined to be pathogenic (PMID: 10729113, 24160897, 25521520, 26969326, 29343940). This suggests that this residue is clinically significant, and that variants that disrupt this residue are likely to be disease-causing. In summary, the currently available evidence indicates that the variant is pathogenic, but additional data are needed to prove that conclusively. Therefore, this variant has been classified as Likely Pathogenic.

Literature cited by the submitters: PubMed 10729113 (cited by Labcorp Genetics (formerly Invitae), Labcorp); PubMed 24160897 (cited by Labcorp Genetics (formerly Invitae), Labcorp); PubMed 25521520 (cited by Labcorp Genetics (formerly Invitae), Labcorp); PubMed 26969326 (cited by Labcorp Genetics (formerly Invitae), Labcorp); PubMed 29343940 (cited by Labcorp Genetics (formerly Invitae), Labcorp).